The following is an entry in ClinVar:

NM_000352.6(ABCC8):c.3243G>A (p.Thr1081=)

Gene: ABCC8 (ATP binding cassette subfamily C member 8; minus strand). Cytogenetic location: 11p15.1.
Variant type: single nucleotide variant.
Coding change: c.3243G>A on transcript NM_000352.6 (MANE Select); coding-DNA position 3243, G replaced by A.
Protein change: p.Thr1081=; no amino-acid change (threonine 1081 retained).
Molecular consequence: synonymous variant. On other transcripts: non-coding transcript variant (1).
Genome position (GRCh38, 1-based): chr11:17,406,708, C>T on the plus strand (G>A on the coding strand, the complement: ABCC8 is on the minus strand). VCF-style: chr11-17406708-C-T. GRCh37 (hg19) VCF-style: chr11-17428255-C-T.
Other names: c.3246G>A, p.Thr1082= (NM_001287174.3); c.3309G>A, p.Thr1103= (NM_001351295.2); c.3243G>A, p.Thr1081= (NM_001351296.2); c.3240G>A, p.Thr1080= (NM_001351297.2).
Identifiers: ClinVar variation 792785 (VCV000792785.17), dbSNP rs771538281, ClinGen allele CA473515827.

ClinVar aggregate classification (germline): Conflicting classifications of pathogenicity. Review status: criteria provided, conflicting classifications (1 of 4 stars). 7 submissions from 4 submitters: Uncertain significance (5); Likely benign (2). Last evaluated 2025-09-12.

Conditions:
Transitory neonatal diabetes mellitus. Also called: Transient neonatal diabetes mellitus. Identifiers: MedGen C0342273, MONDO:0020525, HP:0008255.
Maturity-onset diabetes of the young (MODY). Also called: Maturity onset diabetes mellitus in young. Identifiers: Orphanet 552, MedGen C0342276, MONDO:0018911, HP:0004904.
Hyperinsulinemic hypoglycemia, familial, 1 (HHF1). Also called: Persistent Hyperinsulinemia Hypoglycemia of Infancy; Persistent hyperinsulinemic hypoglycemia of infancy; NESIDIOBLASTOSIS OF PANCREAS; HYPERINSULINISM, FAMILIAL, WITH PANCREATIC NESIDIOBLASTOSIS; HYPOGLYCEMIA, HYPERINSULINEMIC, OF INFANCY. Identifiers: Orphanet 276575, Orphanet 276598, MedGen C2931832, MONDO:0009734, OMIM 256450.
Diabetes mellitus, transient neonatal, 2 (TNDM2). Identifiers: Orphanet 99886, MedGen C1835887, MONDO:0012480, OMIM 610374. Disease mechanism: loss of function.
Permanent neonatal diabetes mellitus (PNDM). Identifiers: Orphanet 99885, MedGen C1833104, MONDO:0100164, MONDO:0011643. Disease mechanism: gain of function.

Allele frequency attached by ClinVar (database versions not stated): gnomAD 0.00001; TOPMed 0.00001.

Submissions (7):

Labcorp Genetics (formerly Invitae), Labcorp
Classification: Likely benign. Last evaluated: 2025-09-12. Review status: criteria provided, single submitter. Criteria: Invitae Variant Classification Sherloc (09022015). Collection method: clinical testing. Allele origin: germline.

Women's Health and Genetics/Laboratory Corporation of America, LabCorp
Classification: Likely benign. Last evaluated: 2025-04-16. Review status: criteria provided, single submitter. Criteria: LabCorp Variant Classification Summary - May 2015. Collection method: clinical testing. Allele origin: germline.

Illumina Laboratory Services, Illumina
Classification: Uncertain significance for Hyperinsulinemic hypoglycemia, familial, 1. Last evaluated: 2018-01-13. Review status: criteria provided, single submitter. Criteria: ICSL Variant Classification Criteria 13 December 2019. Collection method: clinical testing. Allele origin: germline.

Illumina Laboratory Services, Illumina
Classification: Uncertain significance for Permanent neonatal diabetes mellitus 1. Last evaluated: 2018-01-13. Review status: criteria provided, single submitter. Criteria: ICSL Variant Classification Criteria 13 December 2019. Collection method: clinical testing. Allele origin: germline.

Illumina Laboratory Services, Illumina
Classification: Uncertain significance for Diabetes mellitus, transient neonatal, 2. Last evaluated: 2018-01-13. Review status: criteria provided, single submitter. Criteria: ICSL Variant Classification Criteria 13 December 2019. Collection method: clinical testing. Allele origin: germline.

Clinical Genomics, Uppaluri K&H Personalized Medicine Clinic
Classification: Uncertain significance for Maturity-onset diabetes of the young. Review status: criteria provided, single submitter. Criteria: K & H Uppaluri Personalized Medicine Clinic Variant Classification & Assertion Criteria_Updated V.1. Collection method: research. Allele origin: somatic. Inheritance: Somatic mutation.
Comment: Mutations in ABCC8 gene are associated with both neonatal diabetes mellitus as well as MODY. Patients with this mutation may have a better response to sulfonylureas. However, no sufficient evidence is found to ascertain the role of this particular variant (rs771538281) in MODY yet.

Clinical Genomics, Uppaluri K&H Personalized Medicine Clinic
Classification: Uncertain significance for Transitory neonatal diabetes mellitus. Review status: criteria provided, single submitter. Criteria: K & H Uppaluri Personalized Medicine Clinic Variant Classification & Assertion Criteria_Updated V.1. Collection method: research. Allele origin: somatic. Inheritance: Somatic mutation.
Comment: Mutations in ABCC8 gene are associated with both neonatal diabetes mellitus as well as MODY. Patients with this mutation may have a better response to sulfonylureas. However, no sufficient evidence is found to ascertain the role of this particular variant (rs771538281) in neonatal diabetes yet.

Literature cited by the submitters: PubMed 16885549 (cited by Clinical Genomics, Uppaluri K&H Personalized Medicine Clinic); PubMed 21989597 (cited by Clinical Genomics, Uppaluri K&H Personalized Medicine Clinic); PubMed 27538677 (cited by Clinical Genomics, Uppaluri K&H Personalized Medicine Clinic); PubMed 18981553 (cited by Clinical Genomics, Uppaluri K&H Personalized Medicine Clinic); PubMed 32027066 (cited by Clinical Genomics, Uppaluri K&H Personalized Medicine Clinic); PubMed 16613899 (cited by Clinical Genomics, Uppaluri K&H Personalized Medicine Clinic); PubMed 18025408 (cited by Clinical Genomics, Uppaluri K&H Personalized Medicine Clinic); PubMed 32792356 (cited by Clinical Genomics, Uppaluri K&H Personalized Medicine Clinic).